The following is an entry in ClinVar:

NM_000243.3(MEFV):c.2336G>T (p.Gly779Val)

Gene: MEFV (MEFV innate immunity regulator, pyrin; minus strand). Cytogenetic location: 16p13.3.
Variant type: single nucleotide variant.
Coding change: c.2336G>T on transcript NM_000243.3 (MANE Select); coding-DNA position 2336, G replaced by T.
Protein change: p.Gly779Val; replaces glycine 779 with valine.
Molecular consequence: missense variant. On other transcripts: 3 prime UTR variant (1).
Genome position (GRCh38, 1-based): chr16:3,243,151, C>A on the plus strand (G>T on the coding strand, the complement: MEFV is on the minus strand). VCF-style: chr16-3243151-C-A. GRCh37 (hg19) VCF-style: chr16-3293151-C-A.
Other names: c.*540G>T (NM_001198536.2); short protein forms G779V.
Identifiers: ClinVar variation 841823 (VCV000841823.12), dbSNP rs1459541096, ClinGen allele CA394484223.

ClinVar aggregate classification (germline): Uncertain significance. Review status: criteria provided, single submitter (1 of 4 stars). 2 submissions from 2 submitters: Uncertain significance (1). 1 of the submissions does not count toward it. Last evaluated 2019-12-27.

Conditions:
Familial Mediterranean fever (FMF). Also called: POLYSEROSITIS, FAMILIAL PAROXYSMAL; POLYSEROSITIS, RECURRENT; Periodic peritonitis; Benign paroxysmal peritonitis. Identifiers: Orphanet 342, MedGen C0031069, MONDO:0018088, OMIM 249100. Disease mechanism: gain of function.

Allele frequency attached by ClinVar (database versions not stated): TOPMed below 0.00001; gnomAD 0.00001.
gnomAD v4.1: 1 of 1,613,248 alleles (0.000062%); highest among the groups gnomAD compares: Non-Finnish European, 0.000085%; no homozygotes.

Submissions (2):

Labcorp Genetics (formerly Invitae), Labcorp
Classification: Uncertain significance for Familial Mediterranean fever. Last evaluated: 2019-12-27. Review status: criteria provided, single submitter. Criteria: Invitae Variant Classification Sherloc (09022015). Collection method: clinical testing. Allele origin: germline.
Comment: This sequence change replaces glycine with valine at codon 779 of the MEFV protein (p.Gly779Val). The glycine residue is weakly conserved and there is a moderate physicochemical difference between glycine and valine. This variant is not present in population databases (ExAC no frequency). This variant has not been reported in the literature in individuals with MEFV-related conditions. Algorithms developed to predict the effect of missense changes on protein structure and function are either unavailable or do not agree on the potential impact of this missense change (SIFT: "Tolerated"; PolyPhen-2: "Possibly Damaging"; Align-GVGD: "Class C0"). Algorithms developed to predict the effect of sequence changes on RNA splicing suggest that this variant may create or strengthen a splice site, but this prediction has not been confirmed by published transcriptional studies. In summary, the available evidence is currently insufficient to determine the role of this variant in disease. Therefore, it has been classified as a Variant of Uncertain Significance.

Natera, Inc.
Classification: Uncertain significance for Familial Mediterranean fever. Last evaluated: 2020-12-17. Review status: no assertion criteria provided. Collection method: clinical testing. Allele origin: germline. Not counted in ClinVar's aggregate classification.